The following is an entry in ClinVar:

NM_001205293.3(CACNA1E):c.5312T>A (p.Met1771Lys)

Gene: CACNA1E (calcium voltage-gated channel subunit alpha1 E; plus strand). Cytogenetic location: 1q25.3.
Variant type: single nucleotide variant.
Coding change: c.5312T>A on transcript NM_001205293.3 (MANE Select); coding-DNA position 5312, T replaced by A.
Protein change: p.Met1771Lys; replaces methionine 1771 with lysine.
Molecular consequence: missense variant.
Genome position (GRCh38, 1-based): chr1:181,781,471, T>A. VCF-style: chr1-181781471-T-A. GRCh37 (hg19) VCF-style: chr1-181750607-T-A.
Other names: c.5312T>A, p.Met1771Lys (NM_000721.4); c.5255T>A, p.Met1752Lys (NM_001205294.2); short protein forms M1752K, M1771K.
Identifiers: ClinVar variation 3378261 (VCV003378261.2).
Genomic context (GRCh38, chr1:181,781,471, plus strand): 5'-CACCCTCCATGAGCAGTGGCCGCATCCATTACACTGAGATGTATGAAATGCTGACTCTCA[T>A]GTCACCTCCGCTAGGCCTCGGCAAGAGATGTCCCTCCAAAGTGGCATATAAGGTAGACCA-3'
Protein context (NP_001192222.1, residues 1761-1781): YTEMYEMLTL[Met1771Lys]SPPLGLGKRC

ClinVar aggregate classification (germline): Uncertain significance (1 of 4 stars; one submission).

Submission:

GeneDx
Classification: Uncertain significance. Last evaluated: 2025-06-04. Review status: criteria provided, single submitter. Criteria: GeneDx Variant Classification Process June 2021. Collection method: clinical testing. Allele origin: germline. Affected: yes.
Comment: Not observed at significant frequency in large population cohorts (gnomAD); In silico analysis supports that this missense variant has a deleterious effect on protein structure/function; Has not been previously published as pathogenic or benign to our knowledge